The following is an entry in ClinVar:

NM_182493.3(MYLK3):c.229G>A (p.Gly77Arg)

Gene: MYLK3 (myosin light chain kinase 3; minus strand). Cytogenetic location: 16q11.2.
Variant type: single nucleotide variant.
Coding change: c.229G>A on transcript NM_182493.3 (MANE Select); coding-DNA position 229, G replaced by A.
Protein change: p.Gly77Arg; replaces glycine 77 with arginine.
Molecular consequence: missense variant. On other transcripts: intron variant (1).
Genome position (GRCh38, 1-based): chr16:46,747,965, C>T on the plus strand (G>A on the coding strand, the complement: MYLK3 is on the minus strand). VCF-style: chr16-46747965-C-T. GRCh37 (hg19) VCF-style: chr16-46781877-C-T.
Other names: c.-113-7818G>A (NM_001308301.1); c.229G>A (NM_182493.2); short protein forms G77R.
Identifiers: ClinVar variation 1363196 (VCV001363196.7), dbSNP rs143624767, ClinGen allele CA8038295.
Genomic context (GRCh38, chr16:46,747,965, plus strand): 5'-CCAGCTCCAGGACCTCGGGCCACCCAGCCTGGGTGTCAATGTGGGGAACCCCATCAGCCC[C>T]GCCCGGGCCCGGTGCCCGGGAGGCCTCCAGCCTGTGCAGGCCCCGCTCCAGGTGGCCCAT-3'
Protein context (NP_872299.2, residues 67-87): LEASRAPGPG[Gly77Arg]ADGVPHIDTQ

ClinVar aggregate classification (germline): Uncertain significance. Review status: criteria provided, multiple submitters, no conflicts (2 of 4 stars). 2 submissions from 2 submitters: Uncertain significance (2). Last evaluated 2026-01-14.

Allele frequency attached by ClinVar (database versions not stated): gnomAD exomes 0.00007 and 0.00009; ExAC 0.00009; ESP Exome Variant Server 0.00015; gnomAD 0.00021; TOPMed 0.00025; 1000 Genomes Project 0.00060; 1000 Genomes Project 30x 0.00078.
gnomAD v4.1: 133 of 1,613,086 alleles (0.0082%); highest among the groups gnomAD compares: African/African-American, 0.053%; no homozygotes.

Submissions (2):

Labcorp Genetics (formerly Invitae), Labcorp
Classification: Uncertain significance. Last evaluated: 2026-01-14. Review status: criteria provided, single submitter. Criteria: Invitae Variant Classification Sherloc (09022015). Collection method: clinical testing. Allele origin: germline.
Comment: This sequence change replaces glycine, which is neutral and non-polar, with arginine, which is basic and polar, at codon 77 of the MYLK3 protein (p.Gly77Arg). This variant is present in population databases (rs143624767, gnomAD 0.06%), and has an allele count higher than expected for a pathogenic variant. This variant has not been reported in the literature in individuals affected with MYLK3-related conditions. ClinVar contains an entry for this variant (Variation ID: 1363196). An algorithm developed to predict the effect of missense changes on protein structure and function outputs the following: PolyPhen-2: "Benign". The arginine amino acid residue is found in multiple mammalian species, which suggests that this missense change does not adversely affect protein function. In summary, the available evidence is currently insufficient to determine the role of this variant in disease. Therefore, it has been classified as a Variant of Uncertain Significance.

Ambry Genetics
Classification: Uncertain significance. Last evaluated: 2025-08-09. Review status: criteria provided, single submitter. Criteria: Ambry Variant Classification Scheme 2023. Collection method: clinical testing. Allele origin: germline.